The following is an entry in ClinVar:

NM_000944.5(PPP3CA):c.1477G>A (p.Asp493Asn)

Gene: PPP3CA (protein phosphatase 3 catalytic subunit alpha; minus strand). Cytogenetic location: 4q24.
Variant type: single nucleotide variant.
Coding change: c.1477G>A on transcript NM_000944.5 (MANE Select); coding-DNA position 1477, G replaced by A.
Protein change: p.Asp493Asn; replaces aspartic acid 493 with asparagine.
Molecular consequence: missense variant.
Genome position (GRCh38, 1-based): chr4:101,025,954, C>T on the plus strand (G>A on the coding strand, the complement: PPP3CA is on the minus strand). VCF-style: chr4-101025954-C-T. GRCh37 (hg19) VCF-style: chr4-101947111-C-T.
Other names: c.1447G>A, p.Asp483Asn (NM_001130691.2); c.1321G>A, p.Asp441Asn (NM_001130692.2); short protein forms D493N, D483N, D441N.
Identifiers: ClinVar variation 812184 (VCV000812184.1), dbSNP rs1726628642, ClinGen allele CA357947608.
Genomic context (GRCh38, chr4:101,025,954, plus strand): 5'-TGCTGTCCGTGCCGTTAGTCTCTGAGGTGAGAGCCTTGTTGATGGAGTTAAGGTTGGCGT[C>T]AGAGGGCATGGCATCTCTGCGAGGCGGCATCCTCTCATTAATTCGGTCTAAGCCCTTGGC-3'
Protein context (NP_000935.1, residues 483-503): MPPRRDAMPS[Asp493Asn]ANLNSINKAL

ClinVar aggregate classification (germline): Likely pathogenic (1 of 4 stars; one submission).

Conditions:
Developmental and epileptic encephalopathy 91. Also called: EPILEPTIC ENCEPHALOPATHY, INFANTILE OR EARLY CHILDHOOD, 1. Identifiers: MedGen C4540199, MONDO:0020630, OMIM 617711.

Allele frequency attached by ClinVar (database versions not stated): gnomAD exomes below 0.00001.
gnomAD v4.1: 1 of 1,612,328 alleles (0.000062%); highest among the groups gnomAD compares: Admixed American, 0.0017%; no homozygotes.

Submission:

Cavalleri Lab, Royal College of Surgeons in Ireland
Classification: Likely pathogenic for Developmental and epileptic encephalopathy 91. Last evaluated: 2019-12-11. Review status: criteria provided, single submitter. Criteria: ACMG Guidelines, 2015. Collection method: research. Allele origin: de novo. Inheritance: Sporadic. Affected: yes.
Comment: ACMG evidence PS2, PM2, PP2, PP3

Literature cited by the submitters: PubMed 32238909.